The following is an entry in ClinVar:

NM_000812.4(GABRB1):c.646T>A (p.Tyr216Asn)

Gene: GABRB1 (gamma-aminobutyric acid type A receptor subunit beta1; plus strand). Cytogenetic location: 4p12.
Variant type: single nucleotide variant.
Coding change: c.646T>A on transcript NM_000812.4 (MANE Select); coding-DNA position 646, T replaced by A.
Protein change: p.Tyr216Asn; replaces tyrosine 216 with asparagine.
Molecular consequence: missense variant.
Genome position (GRCh38, 1-based): chr4:47,403,419, T>A. VCF-style: chr4-47403419-T-A. GRCh37 (hg19) VCF-style: chr4-47405436-T-A.
Other names: short protein forms Y216N.
Identifiers: ClinVar variation 3664654 (VCV003664654.2).

ClinVar aggregate classification (germline): Uncertain significance (1 of 4 stars; one submission).

Submission:

Labcorp Genetics (formerly Invitae), Labcorp
Classification: Uncertain significance. Last evaluated: 2024-11-22. Review status: criteria provided, single submitter. Criteria: Invitae Variant Classification Sherloc (09022015). Collection method: clinical testing. Allele origin: germline.
Comment: This sequence change replaces tyrosine, which is neutral and polar, with asparagine, which is neutral and polar, at codon 216 of the GABRB1 protein (p.Tyr216Asn). This variant is not present in population databases (gnomAD no frequency). This variant has not been reported in the literature in individuals affected with GABRB1-related conditions. Invitae Evidence Modeling of protein sequence and biophysical properties (such as structural, functional, and spatial information, amino acid conservation, physicochemical variation, residue mobility, and thermodynamic stability) indicates that this missense variant is not expected to disrupt GABRB1 protein function with a negative predictive value of 80%. In summary, the available evidence is currently insufficient to determine the role of this variant in disease. Therefore, it has been classified as a Variant of Uncertain Significance.